The following is an entry in ClinVar:

ClinVar aggregate classification (germline): Uncertain significance. Review status: criteria provided, multiple submitters, no conflicts (2 of 4 stars). 7 submissions from 7 submitters: Uncertain significance (7). Last evaluated 2025-05-08.

Conditions:
Malignant hyperthermia, susceptibility to, 1 (MHS1). Also called: RYR1-Related Malignant Hyperthermia Susceptibility; Anesthesia related hyperthermia; Malignant hyperpyrexia; Fulminating hyperpyrexia; Pharmacogenic myopathy; Malignant hyperthermia suceptibility 1. Identifiers: Orphanet 423, MedGen C2930980, MONDO:0007783, OMIM 145600.
Central core myopathy (CMYO1A). Also called: CONGENITAL MYOPATHY 1A, AUTOSOMAL DOMINANT, WITH SUSCEPTIBILITY TO MALIGNANT HYPERTHERMIA; Central core disease; Myopathy, central fibrillar. Identifiers: Orphanet 597, MedGen C5830701, MONDO:0007294, OMIM 117000.
Congenital myopathy with fiber type disproportion. Also called: Congenital fiber-type disproportion myopathy; Congenital fiber-type disproportion. Identifiers: Orphanet 2020, MedGen C0546264, MONDO:0009711. Inheritance: all.
King Denborough syndrome (KDS). Identifiers: MedGen C1840365, MONDO:0020485, OMIM 619542.
Congenital multicore myopathy with external ophthalmoplegia (CMYO1B). Also called: Congenital myopathy 1B, autosomal recessive; Minicore myopathy; MULTIMINICORE DISEASE WITH EXTERNAL OPHTHALMOPLEGIA; Minicore myopathy with external ophthalmoplegia; MULTICORE MYOPATHY. Identifiers: Orphanet 598, Orphanet 98905, MedGen C1850674, MONDO:0009712, OMIM 255320, HP:0003789.
RYR1-related disorder. Also called: RYR1-related condition; RYR1-related disorders. Identifiers: MedGen CN239331.
RYR1-related myopathy. Identifiers: Orphanet 98742, MedGen CN305348, MONDO:0100150.

Allele frequency attached by ClinVar (database versions not stated): gnomAD exomes 0.00003 and 0.00008; TOPMed 0.00005; gnomAD 0.00006 and 0.00007; ExAC 0.00007.
gnomAD v4.1: 61 of 1,614,074 alleles (0.0038%); highest among the groups gnomAD compares: Admixed American, 0.032%; no homozygotes.

Submissions (7):

Revvity Omics, Revvity
Classification: Uncertain significance. Last evaluated: 2025-05-08. Review status: criteria provided, single submitter. Criteria: ACMG Guidelines, 2015. Collection method: clinical testing. Allele origin: germline.

Labcorp Genetics (formerly Invitae), Labcorp
Classification: Uncertain significance for RYR1-related disorder. Last evaluated: 2024-09-15. Review status: criteria provided, single submitter. Criteria: Invitae Variant Classification Sherloc (09022015). Collection method: clinical testing. Allele origin: germline.
Comment: This sequence change replaces glutamic acid, which is acidic and polar, with lysine, which is basic and polar, at codon 3258 of the RYR1 protein (p.Glu3258Lys). This variant is present in population databases (rs754431075, gnomAD 0.04%). This variant has not been reported in the literature in individuals affected with RYR1-related conditions. ClinVar contains an entry for this variant (Variation ID: 568062). Invitae Evidence Modeling of protein sequence and biophysical properties (such as structural, functional, and spatial information, amino acid conservation, physicochemical variation, residue mobility, and thermodynamic stability) has been performed for this missense variant. However, the output from this modeling did not meet the statistical confidence thresholds required to predict the impact of this variant on RYR1 protein function. In summary, the available evidence is currently insufficient to determine the role of this variant in disease. Therefore, it has been classified as a Variant of Uncertain Significance.

Color Diagnostics, LLC DBA Color Health
Classification: Uncertain significance for Malignant hyperthermia, susceptibility to, 1. Last evaluated: 2023-11-15. Review status: criteria provided, single submitter. Criteria: ACMG Guidelines, 2015. Collection method: clinical testing. Allele origin: germline.
Comment: This missense variant replaces glutamic acid with lysine at codon 3258 of the RYR1 protein. Computational prediction is inconclusive regarding the impact of this variant on protein structure and function. To our knowledge, functional studies have not been reported for this variant. This variant has not been reported in individuals affected with RYR1-related disorders in the literature. This variant has been identified in 19/249908 chromosomes in the general population by the Genome Aggregation Database (gnomAD). The available evidence is insufficient to determine the role of this variant in disease conclusively. Therefore, this variant is classified as a Variant of Uncertain Significance.

Molecular Genetics, Royal Melbourne Hospital
Classification: Uncertain significance for RYR1-related myopathy. Last evaluated: 2023-03-30. Review status: criteria provided, single submitter. Criteria: ACMG Guidelines, 2015. Collection method: clinical testing. Allele origin: germline. Affected: yes.
Comment: This sequence change in RYR1 is predicted to replace glutamic acid with lysine at codon 3258, p.(Glu3258Lys). The glutamic acid residue is highly conserved (100 vertebrates, UCSC), and is located in exon 66 outside of the C-terminal region, amino acids 4631-4991, that is defined as a mutational hotspot. There is a small physicochemical difference between glutamic acid and lysine. The highest population minor allele frequency in gnomAD v2.1 is 0.03% (12/3,4584 alleles, 0 homozygotes) in the Latino/admixed American population. The variant has been reported as a variant of uncertain significance (ClinVar ID: 568062), and to our knowledge, has not been reported in the literature in any individuals with RYR1-related disorders. Multiple lines of computational evidence predict a deleterious effect for the missense substitution (5/5 algorithms). Based on the classification scheme RMH Modified ACMG Guidelines v1.4.0, this variant is classified as a VARIANT OF UNCERTAIN SIGNIFICANCE. Following criteria are met: PP3.

Victorian Clinical Genetics Services, Murdoch Childrens Research Institute
Classification: Uncertain significance for RYR1-related myopathy. Last evaluated: 2022-03-31. Review status: criteria provided, single submitter. Criteria: ACMG Guidelines, 2015. Collection method: clinical testing. Allele origin: germline.
Comment: Based on the classification scheme VCGS_Germline_v1.3.4, this variant is classified as VUS-3B. Following criteria are met: 0103 - Loss of function and gain of function are known mechanisms of disease in this gene and are associated with RYR1-related disorders (PMID: 27855725, PMID: 23919265). (I) 0108 - This gene is associated with both recessive and dominant disease (OMIM). (I) 0200 - Variant is predicted to result in a missense amino acid change from glutamic acid to lysine. (I) 0251 - This variant is heterozygous. (I) 0304 - Variant is present in gnomAD (v2) <0.01 for a condition (19 heterozygotes, 0 homozygotes). (SP) 0501 - Missense variant consistently predicted to be damaging by multiple in silico tools or highly conserved with a major amino acid change. (SP) 0604 - Variant is not located in an established domain, motif, hotspot or informative constraint region. (I) 0710 - Another missense variant comparable to the one identified in this case has inconclusive previous evidence for pathogenicity. This alternative change, p.(Glu3258Gln), has been reported as a VUS (ClinVar). (I) 0809 - Previous evidence of pathogenicity for this variant is inconclusive. This variant has been reported as a VUS (ClinVar), and observed in a neuropathy study (PMID: 24627108). (I) 0905 - No published segregation evidence has been identified for this variant. (I) 1007 - No published functional evidence has been identified for this variant. (I) Legend: (SP) - Supporting pathogenic, (I) - Information, (SB) - Supporting benign

Fulgent Genetics
Classification: Uncertain significance for Central core myopathy; Malignant hyperthermia, susceptibility to, 1; Congenital myopathy 4A, autosomal dominant; Congenital multicore myopathy with external ophthalmoplegia; King Denborough syndrome. Last evaluated: 2021-09-01. Review status: criteria provided, single submitter. Criteria: ACMG Guidelines, 2015. Collection method: clinical testing. Allele origin: unknown.

GeneDx
Classification: Uncertain significance. Last evaluated: 2019-12-05. Review status: criteria provided, single submitter. Criteria: GeneDx Variant Classification Process June 2021. Collection method: clinical testing. Allele origin: germline. Affected: yes.
Comment: In silico analysis, which includes protein predictors and evolutionary conservation, supports a deleterious effect; Has not been previously published as pathogenic or benign to our knowledge

Literature cited by the submitters: PubMed 23919265 (cited by Victorian Clinical Genetics Services, Murdoch Childrens Research Institute); PubMed 24627108 (cited by Victorian Clinical Genetics Services, Murdoch Childrens Research Institute); PubMed 27855725 (cited by Victorian Clinical Genetics Services, Murdoch Childrens Research Institute).

NM_000540.3(RYR1):c.9772G>A (p.Glu3258Lys)

Gene: RYR1 (ryanodine receptor 1; plus strand). Cytogenetic location: 19q13.2.
Variant type: single nucleotide variant.
Coding change: c.9772G>A on transcript NM_000540.3 (MANE Select); coding-DNA position 9772, G replaced by A.
Protein change: p.Glu3258Lys; replaces glutamic acid 3258 with lysine.
Molecular consequence: missense variant.
Genome position (GRCh38, 1-based): chr19:38,517,445, G>A. VCF-style: chr19-38517445-G-A. GRCh37 (hg19) VCF-style: chr19-39008085-G-A.
Other names: c.9772G>A, p.Glu3258Lys (NM_001042723.2); short protein forms E3258K.
Identifiers: ClinVar variation 568062 (VCV000568062.19), dbSNP rs754431075, ClinGen allele CA074130.